The following is an entry in ClinVar:

NM_005629.4(SLC6A8):c.196G>A (p.Val66Met)

Gene: SLC6A8 (solute carrier family 6 member 8; plus strand). Cytogenetic location: Xq28.
Variant type: single nucleotide variant.
Coding change: c.196G>A on transcript NM_005629.4 (MANE Select); coding-DNA position 196, G replaced by A.
Protein change: p.Val66Met; replaces valine 66 with methionine.
Molecular consequence: missense variant.
Genome position (GRCh38, 1-based): chrX:153,688,770, G>A. VCF-style: chrX-153688770-G-A. GRCh37 (hg19) VCF-style: chrX-152954225-G-A.
Other names: c.196G>A, p.Val66Met (NM_001142805.2); short protein forms V66M.
Identifiers: ClinVar variation 2088541 (VCV002088541.4), dbSNP rs2522145658, ClinGen allele CA415076810.
Genomic context (GRCh38, chrX:153,688,770, plus strand): 5'-CGCCTGGCCGTGCCGCCGCGCGAGACCTGGACGCGCCAGATGGACTTCATCATGTCGTGC[G>A]TGGGCTTCGCCGTGGGCTTGGGCAACGTGTGGCGCTTCCCCTACCTGTGCTACAAGAACG-3'
Protein context (NP_005620.1, residues 56-76): TRQMDFIMSC[Val66Met]GFAVGLGNVW

ClinVar aggregate classification (germline): Uncertain significance (1 of 4 stars; one submission).

Conditions:
Creatine transporter deficiency (CCDS1). Also called: Creatine Transporter (CRTR) Deficiency; Mental retardation , X-linked with seizures, short stature and midface hypoplasia; Mental retardation , X-linked, with creatine transport deficiency; X-linked creatine transporter deficiency; X-linked creatine deficiency syndrome; SLC6A8-Related Creatine Transporter Deficiency. Identifiers: Orphanet 52503, MedGen C1845862, MONDO:0010305, OMIM 300352.

gnomAD v4.1: 1 of 1,138,029 alleles (0.000088%); no homozygotes.

Submission:

Labcorp Genetics (formerly Invitae), Labcorp
Classification: Uncertain significance for Creatine transporter deficiency. Last evaluated: 2022-01-21. Review status: criteria provided, single submitter. Criteria: Invitae Variant Classification Sherloc (09022015). Collection method: clinical testing. Allele origin: germline.
Comment: In summary, the available evidence is currently insufficient to determine the role of this variant in disease. Therefore, it has been classified as a Variant of Uncertain Significance. Algorithms developed to predict the effect of missense changes on protein structure and function are either unavailable or do not agree on the potential impact of this missense change (SIFT: "Tolerated"; PolyPhen-2: "Probably Damaging"; Align-GVGD: "Class C0"). This variant has not been reported in the literature in individuals affected with SLC6A8-related conditions. This variant is not present in population databases (gnomAD no frequency). This sequence change replaces valine, which is neutral and non-polar, with methionine, which is neutral and non-polar, at codon 66 of the SLC6A8 protein (p.Val66Met).